The following is an entry in ClinVar:

NM_022051.3(EGLN1):c.194T>C (p.Leu65Pro)

Gene: EGLN1 (egl-9 family hypoxia inducible factor 1; minus strand). Cytogenetic location: 1q42.2.
Variant type: single nucleotide variant.
Coding change: c.194T>C on transcript NM_022051.3 (MANE Select); coding-DNA position 194, T replaced by C.
Protein change: p.Leu65Pro; replaces leucine 65 with proline.
Molecular consequence: missense variant.
Genome position (GRCh38, 1-based): chr1:231,421,695, A>G on the plus strand (T>C on the coding strand, the complement: EGLN1 is on the minus strand). VCF-style: chr1-231421695-A-G. GRCh37 (hg19) VCF-style: chr1-231557441-A-G.
Other names: c.194T>C, p.Leu65Pro (NM_001377260.1, NM_001377261.1); short protein forms L65P.
Identifiers: ClinVar variation 4870309 (VCV004870309.1).

ClinVar aggregate classification (germline): Uncertain significance (1 of 4 stars; one submission).

Submission:

Ambry Genetics
Classification: Uncertain significance. Last evaluated: 2026-03-17. Review status: criteria provided, single submitter. Criteria: Ambry Variant Classification Scheme 2023. Collection method: clinical testing. Allele origin: germline.
Comment: The p.L65P variant (also known as c.194T>C), located in coding exon 1 of the EGLN1 gene, results from a T to C substitution at nucleotide position 194. The leucine at codon 65 is replaced by proline, an amino acid with similar properties. This amino acid position is conserved. In addition, this alteration is predicted to be tolerated by in silico analysis. Based on the available evidence, the clinical significance of this variant remains unclear.